The following is an entry in ClinVar:

ClinVar aggregate classification (germline): Uncertain significance (1 of 4 stars; one submission).

Conditions:
RYR1-related disorder. Also called: RYR1-related disorders; RYR1-related condition. Identifiers: MedGen CN239331.

Submission:

Labcorp Genetics (formerly Invitae), Labcorp
Classification: Uncertain significance for RYR1-related disorder. Last evaluated: 2021-08-30. Review status: criteria provided, single submitter. Criteria: Invitae Variant Classification Sherloc (09022015). Collection method: clinical testing. Allele origin: germline.
Comment: This sequence change replaces serine with threonine at codon 4830 of the RYR1 protein (p.Ser4830Thr). The serine residue is highly conserved and there is a small physicochemical difference between serine and threonine. This variant is not present in population databases (ExAC no frequency). This variant has not been reported in the literature in individuals affected with RYR1-related conditions. Algorithms developed to predict the effect of missense changes on protein structure and function are either unavailable or do not agree on the potential impact of this missense change (SIFT: "Deleterious"; PolyPhen-2: "Not Available"; Align-GVGD: "Class C0"). In summary, the available evidence is currently insufficient to determine the role of this variant in disease. Therefore, it has been classified as a Variant of Uncertain Significance.

NM_000540.3(RYR1):c.14488T>A (p.Ser4830Thr)

Gene: RYR1 (ryanodine receptor 1; plus strand). Cytogenetic location: 19q13.2.
Variant type: single nucleotide variant.
Coding change: c.14488T>A on transcript NM_000540.3 (MANE Select); coding-DNA position 14488, T replaced by A.
Protein change: p.Ser4830Thr; replaces serine 4830 with threonine.
Molecular consequence: missense variant.
Genome position (GRCh38, 1-based): chr19:38,580,105, T>A. VCF-style: chr19-38580105-T-A. GRCh37 (hg19) VCF-style: chr19-39070745-T-A.
Other names: c.14473T>A, p.Ser4825Thr (NM_001042723.2); short protein forms S4830T, S4825T.
Identifiers: ClinVar variation 567390 (VCV000567390.6), dbSNP rs1568604535, ClinGen allele CA405687366.